The following is an entry in ClinVar:

ClinVar aggregate classification (germline): Uncertain significance. Review status: criteria provided, multiple submitters, no conflicts (2 of 4 stars). 2 submissions from 2 submitters: Uncertain significance (2). Last evaluated 2025-10-07.

Conditions:
Inborn genetic diseases. Identifiers: MedGen C0950123, MeSH D030342.

Allele frequency attached by ClinVar (database versions not stated): gnomAD exomes 0.00001; ExAC 0.00002; TOPMed 0.00001.
gnomAD v4.1: 6 of 1,614,092 alleles (0.00037%); highest among the groups gnomAD compares: Admixed American, 0.01%; no homozygotes.

Submissions (2):

Ambry Genetics
Classification: Uncertain significance for Inborn genetic diseases. Last evaluated: 2025-10-07. Review status: criteria provided, single submitter. Criteria: Ambry Variant Classification Scheme 2023. Collection method: clinical testing. Allele origin: germline.

Labcorp Genetics (formerly Invitae), Labcorp
Classification: Uncertain significance. Last evaluated: 2025-09-02. Review status: criteria provided, single submitter. Criteria: Invitae Variant Classification Sherloc (09022015). Collection method: clinical testing. Allele origin: germline.
Comment: This sequence change replaces glycine, which is neutral and non-polar, with serine, which is neutral and polar, at codon 56 of the TAB2 protein (p.Gly56Ser). This variant is present in population databases (rs749232197, gnomAD 0.01%). This variant has not been reported in the literature in individuals affected with TAB2-related conditions. ClinVar contains an entry for this variant (Variation ID: 2891002). Invitae Evidence Modeling of protein sequence and biophysical properties (such as structural, functional, and spatial information, amino acid conservation, physicochemical variation, residue mobility, and thermodynamic stability) indicates that this missense variant is not expected to disrupt TAB2 protein function with a negative predictive value of 80%. In summary, the available evidence is currently insufficient to determine the role of this variant in disease. Therefore, it has been classified as a Variant of Uncertain Significance.

NM_001292034.3(TAB2):c.166G>A (p.Gly56Ser)

Gene: TAB2 (TGF-beta activated kinase 1 (MAP3K7) binding protein 2; plus strand). Cytogenetic location: 6q25.1.
Variant type: single nucleotide variant.
Coding change: c.166G>A on transcript NM_001292034.3 (MANE Select); coding-DNA position 166, G replaced by A.
Protein change: p.Gly56Ser; replaces glycine 56 with serine.
Molecular consequence: missense variant.
Genome position (GRCh38, 1-based): chr6:149,378,081, G>A. VCF-style: chr6-149378081-G-A. GRCh37 (hg19) VCF-style: chr6-149699217-G-A.
Other names: c.70G>A, p.Gly24Ser (NM_001292035.3); c.166G>A, p.Gly56Ser (NM_001369506.1, NM_015093.6); c.166G>A (NM_015093.4); short protein forms G56S, G24S.
Identifiers: ClinVar variation 2891002 (VCV002891002.4), dbSNP rs749232197, ClinGen allele CA4041362.